The following is an entry in ClinVar:

NM_019842.4(KCNQ5):c.2531T>C (p.Ile844Thr)

Gene: KCNQ5 (potassium voltage-gated channel subfamily Q member 5; plus strand). Cytogenetic location: 6q13.
Variant type: single nucleotide variant.
Coding change: c.2531T>C on transcript NM_019842.4 (MANE Select); coding-DNA position 2531, T replaced by C.
Protein change: p.Ile844Thr; replaces isoleucine 844 with threonine.
Molecular consequence: missense variant.
Genome position (GRCh38, 1-based): chr6:73,195,146, T>C. VCF-style: chr6-73195146-T-C. GRCh37 (hg19) VCF-style: chr6-73904869-T-C.
Other names: c.2504T>C, p.Ile835Thr (NM_001160130.2); c.2561T>C, p.Ile854Thr (NM_001160132.2); c.2588T>C, p.Ile863Thr (NM_001160133.2); c.2201T>C, p.Ile734Thr (NM_001160134.2); short protein forms I734T, I863T, I835T, I844T, I854T.
Identifiers: ClinVar variation 1473130 (VCV001473130.8), dbSNP rs2150528312, ClinGen allele CA364696510.

ClinVar aggregate classification (germline): Uncertain significance (1 of 4 stars; one submission).

gnomAD v4.1: 1 of 1,614,226 alleles (0.000062%); highest among the groups gnomAD compares: Middle Eastern, 0.016%; no homozygotes.

Submission:

Labcorp Genetics (formerly Invitae), Labcorp
Classification: Uncertain significance. Last evaluated: 2022-02-03. Review status: criteria provided, single submitter. Criteria: Invitae Variant Classification Sherloc (09022015). Collection method: clinical testing. Allele origin: germline.
Comment: This sequence change replaces isoleucine, which is neutral and non-polar, with threonine, which is neutral and polar, at codon 863 of the KCNQ5 protein (p.Ile863Thr). In summary, the available evidence is currently insufficient to determine the role of this variant in disease. Therefore, it has been classified as a Variant of Uncertain Significance. Advanced modeling of protein sequence and biophysical properties (such as structural, functional, and spatial information, amino acid conservation, physicochemical variation, residue mobility, and thermodynamic stability) performed at Invitae indicates that this missense variant is not expected to disrupt KCNQ5 protein function. This variant has not been reported in the literature in individuals affected with KCNQ5-related conditions. This variant is not present in population databases (gnomAD no frequency).